The following is an entry in ClinVar:

ClinVar aggregate classification (germline): Uncertain significance. Review status: criteria provided, multiple submitters, no conflicts (2 of 4 stars). 3 submissions from 3 submitters: Uncertain significance (3). Last evaluated 2025-04-25.

Conditions:
Inborn genetic diseases. Identifiers: MedGen C0950123, MeSH D030342.

Allele frequency attached by ClinVar (database versions not stated): ExAC 0.00001; gnomAD exomes 0.00001.
gnomAD v4.1: 12 of 1,613,844 alleles (0.00074%); highest among the groups gnomAD compares: South Asian, 0.0011%; no homozygotes.

Submissions (3):

Ambry Genetics
Classification: Uncertain significance for Inborn genetic diseases. Last evaluated: 2025-04-25. Review status: criteria provided, single submitter. Criteria: Ambry Variant Classification Scheme 2023. Collection method: clinical testing. Allele origin: germline.

GeneDx
Classification: Uncertain significance. Last evaluated: 2024-11-07. Review status: criteria provided, single submitter. Criteria: GeneDx Variant Classification Process June 2021. Collection method: clinical testing. Allele origin: germline. Affected: yes.
Comment: Not observed at significant frequency in large population cohorts (gnomAD); In silico analysis supports that this missense variant has a deleterious effect on protein structure/function; Has not been previously published as pathogenic or benign to our knowledge

Labcorp Genetics (formerly Invitae), Labcorp
Classification: Uncertain significance. Last evaluated: 2022-08-20. Review status: criteria provided, single submitter. Criteria: Invitae Variant Classification Sherloc (09022015). Collection method: clinical testing. Allele origin: germline.
Comment: This sequence change replaces threonine, which is neutral and polar, with methionine, which is neutral and non-polar, at codon 303 of the OSBPL2 protein (p.Thr303Met). This variant is present in population databases (rs769492031, gnomAD 0.003%). In summary, the available evidence is currently insufficient to determine the role of this variant in disease. Therefore, it has been classified as a Variant of Uncertain Significance. Algorithms developed to predict the effect of missense changes on protein structure and function are either unavailable or do not agree on the potential impact of this missense change (SIFT: "Deleterious"; PolyPhen-2: "Probably Damaging"; Align-GVGD: "Class C15"). This variant has not been reported in the literature in individuals affected with OSBPL2-related conditions.

NM_144498.4(OSBPL2):c.908C>T (p.Thr303Met)

Gene: OSBPL2 (oxysterol binding protein like 2; plus strand). Cytogenetic location: 20q13.33.
Variant type: single nucleotide variant.
Coding change: c.908C>T on transcript NM_144498.4 (MANE Select); coding-DNA position 908, C replaced by T.
Protein change: p.Thr303Met; replaces threonine 303 with methionine.
Molecular consequence: missense variant.
Genome position (GRCh38, 1-based): chr20:62,284,081, C>T. VCF-style: chr20-62284081-C-T. GRCh37 (hg19) VCF-style: chr20-60859137-C-T.
Other names: c.632C>T, p.Thr211Met (NM_001278649.3, NM_001363878.2); c.872C>T, p.Thr291Met (NM_014835.5); c.908C>T (NM_144498.1, NM_144498.2); short protein forms T303M, T211M, T291M.
Identifiers: ClinVar variation 1961239 (VCV001961239.7), dbSNP rs769492031, ClinGen allele CA9938609.